The following is an entry in ClinVar:

ClinVar aggregate classification (germline): Benign/Likely benign. Review status: criteria provided, multiple submitters, no conflicts (2 of 4 stars). 15 submissions from 14 submitters: Benign (10); Likely benign (5). Last evaluated 2026-08-01.

Conditions:
Cardiovascular phenotype. Identifiers: MedGen CN230736.
Hypercholesterolemia, autosomal dominant, type B (FHCL2). Also called: Hyperlipoproteinemia Type IIb; Familial hypercholesterolemia 2; APOB-Related Familial Hypercholesterolemia, Autosomal Dominant; HYPERCHOLESTEROLEMIA, FAMILIAL, DUE TO LIGAND-DEFECTIVE APOLIPOPROTEIN B; Familial Hypercholesterolemia Type B; APOLIPOPROTEIN B-100, FAMILIAL DEFECTIVE. Identifiers: MedGen C1704417, MONDO:0007751, OMIM 144010.
Familial hypobetalipoproteinemia 1. Also called: APOB-Related Familial Hypobetalipoproteinemia; Hypobetalipoproteinemia, normotriglyceridemic; Acanthocytosis with hypobetalipoproteinemia. Identifiers: MedGen C4551990, MONDO:0014252, OMIM 615558.
Familial hypercholesterolemia. Also called: Familial hypercholesterolemias; Familial hypercholesterolaemia. Identifiers: MedGen C0020445, MONDO:0005439.
Hypercholesterolemia, familial, 1. Also called: LDL RECEPTOR DISORDER; Hyperlipoproteinemia Type IIa; HYPER-LOW-DENSITY-LIPOPROTEINEMIA; HYPERCHOLESTEROLEMIC XANTHOMATOSIS, FAMILIAL; Fredrickson type IIa hyperlipoproteinemia; Hyperlipoproteinemia type 2. Identifiers: Orphanet 391665, MedGen C0745103, MONDO:0007750, OMIM 143890.

Allele frequency attached by ClinVar (database versions not stated): ESP Exome Variant Server 0.00038; gnomAD exomes 0.00146 and 0.00486; gnomAD 0.00162 and 0.00229; TOPMed 0.00267; ExAC 0.00468; 1000 Genomes Project 30x 0.01359; 1000 Genomes Project 0.01418.
gnomAD v4.1: 2,576 of 1,614,104 alleles (0.16%); highest among the groups gnomAD compares: East Asian, 4.3%; 48 homozygotes.

Submissions (15):

CeGaT Center for Human Genetics Tuebingen
Classification: Benign. Last evaluated: 2026-08-01. Review status: criteria provided, single submitter. Criteria: CeGaT Center For Human Genetics Tuebingen Variant Classification Criteria Version 2. Collection method: clinical testing. Allele origin: germline. Affected: yes. Observed: 10 variant alleles.
Comment: APOB: BP4, BS1, BS2

Labcorp Genetics (formerly Invitae), Labcorp
Classification: Benign for Familial hypobetalipoproteinemia 1; Hypercholesterolemia, autosomal dominant, type B. Last evaluated: 2026-02-04. Review status: criteria provided, single submitter. Criteria: Invitae Variant Classification Sherloc (09022015). Collection method: clinical testing. Allele origin: germline.

Molecular Diagnostic Laboratory for Inherited Cardiovascular Disease, Montreal Heart Institute
Classification: Likely benign. Last evaluated: 2025-04-09. Review status: criteria provided, single submitter. Criteria: ACMG Guidelines, 2015. Collection method: clinical testing. Allele origin: germline. Affected: no.

Blueprint Genetics
Classification: Likely benign. Last evaluated: 2024-11-08. Review status: criteria provided, single submitter. Criteria: ACMG Guidelines, 2015. Collection method: clinical testing. Allele origin: germline.

Mayo Clinic Laboratories, Mayo Clinic
Classification: Benign. Last evaluated: 2023-02-22. Review status: criteria provided, single submitter. Criteria: ACMG Guidelines, 2015. Collection method: clinical testing. Allele origin: germline. Observed: 5 variant alleles.
Comment: BA1, BS2, BP4

GENinCode PLC
Classification: Benign for Familial hypercholesterolemia. Last evaluated: 2022-06-23. Review status: criteria provided, single submitter. Criteria: ACMG Guidelines, 2015. Collection method: clinical testing. Allele origin: germline.

Quest Diagnostics Nichols Institute San Juan Capistrano
Classification: Benign. Last evaluated: 2022-05-27. Review status: criteria provided, single submitter. Criteria: Quest Diagnostics criteria. Collection method: clinical testing. Allele origin: unknown.

ARUP Laboratories, Molecular Genetics and Genomics, ARUP Laboratories
Classification: Benign. Last evaluated: 2022-04-11. Review status: criteria provided, single submitter. Criteria: ARUP Molecular Germline Variant Investigation Process 2021. Collection method: clinical testing. Allele origin: germline.

GeneDx
Classification: Benign. Last evaluated: 2019-03-18. Review status: criteria provided, single submitter. Criteria: GeneDx Variant Classification Process June 2021. Collection method: clinical testing. Allele origin: germline. Affected: yes.
Comment: This variant is associated with the following publications: (PMID: 33303402)

Illumina Laboratory Services, Illumina
Classification: Benign for Hypercholesterolemia, autosomal dominant, type B. Last evaluated: 2018-01-12. Review status: criteria provided, single submitter. Criteria: ICSL Variant Classification Criteria 13 December 2019. Collection method: clinical testing. Allele origin: germline.
Comment: This variant was observed in the ICSL laboratory as part of a predisposition screen in an ostensibly healthy population. It had not been previously curated by ICSL or reported in the Human Gene Mutation Database (HGMD: prior to June 1st, 2018), and was therefore a candidate for classification through an automated scoring system. Utilizing variant allele frequency, disease prevalence and penetrance estimates, and inheritance mode, an automated score was calculated to assess if this variant is too frequent to cause the disease. Based on the score and internal cut-off values, a variant classified as benign is not then subjected to further curation. The score for this variant resulted in a classification of benign for this disease.

Illumina Laboratory Services, Illumina
Classification: Likely benign for Familial hypobetalipoproteinemia 1. Last evaluated: 2018-01-12. Review status: criteria provided, single submitter. Criteria: ICSL Variant Classification Criteria 13 December 2019. Collection method: clinical testing. Allele origin: germline.
Comment: This variant was observed in the ICSL laboratory as part of a predisposition screen in an ostensibly healthy population. It had not been previously curated by ICSL or reported in the Human Gene Mutation Database (HGMD: prior to June 1st, 2018), and was therefore a candidate for classification through an automated scoring system. Utilizing variant allele frequency, disease prevalence and penetrance estimates, and inheritance mode, an automated score was calculated to assess if this variant is too frequent to cause the disease. Based on the score and internal cut-off values, a variant classified as likely benign is not then subjected to further curation. The score for this variant resulted in a classification of likely benign for this disease.

Robarts Research Institute, Western University
Classification: Likely benign for Hypercholesterolemia, familial, 1. Last evaluated: 2018-01-02. Review status: criteria provided, single submitter. Criteria: ACMG Guidelines, 2015. Collection method: clinical testing. Allele origin: germline. Inheritance: Autosomal dominant inheritance. Affected: yes.

Ambry Genetics
Classification: Benign for Cardiovascular phenotype. Last evaluated: 2017-11-07. Review status: criteria provided, single submitter. Criteria: Ambry Variant Classification Scheme 2023. Collection method: clinical testing. Allele origin: germline.

Color Diagnostics, LLC DBA Color Health
Classification: Benign for Familial hypercholesterolemias. Last evaluated: 2017-06-22. Review status: criteria provided, single submitter. Criteria: ACMG Guidelines, 2015. Collection method: clinical testing. Allele origin: germline.

Breakthrough Genomics
Classification: Likely benign. Review status: criteria provided, single submitter. Criteria: ACMG Guidelines, 2015. Collection method: not provided. Allele origin: germline. Inheritance: Autosomal recessive inheritance. Affected: yes.

Literature cited by the submitters: PubMed 33303402 (cited by Mayo Clinic Laboratories, Mayo Clinic).

NM_000384.3(APOB):c.581C>T (p.Thr194Met)

Gene: APOB (apolipoprotein B; minus strand). Cytogenetic location: 2p24.1.
Variant type: single nucleotide variant.
Coding change: c.581C>T on transcript NM_000384.3 (MANE Select); coding-DNA position 581, C replaced by T.
Protein change: p.Thr194Met; replaces threonine 194 with methionine.
Molecular consequence: missense variant.
Genome position (GRCh38, 1-based): chr2:21,037,212, G>A on the plus strand (C>T on the coding strand, the complement: APOB is on the minus strand). VCF-style: chr2-21037212-G-A. GRCh37 (hg19) VCF-style: chr2-21260084-G-A.
Other names: p.Thr194Met; short protein forms T194M.
Identifiers: ClinVar variation 334181 (VCV000334181.40), dbSNP rs13306198, ClinGen allele CA062512.